The following is an entry in ClinVar:

ClinVar aggregate classification (germline): Conflicting classifications of pathogenicity. Review status: criteria provided, conflicting classifications (1 of 4 stars). 2 submissions from 2 submitters: Uncertain significance (1); Likely benign (1). Last evaluated 2024-08-07.

Conditions:
Mucolipidosis type IV (ML4). Also called: ML IV. Identifiers: Orphanet 578, MedGen C0238286, MONDO:0009653, OMIM 252650.

Allele frequency attached by ClinVar (database versions not stated): gnomAD exomes below 0.00001; gnomAD 0.00001.
gnomAD v4.1: 5 of 1,603,076 alleles (0.00031%); highest among the groups gnomAD compares: Middle Eastern, 0.066%; no homozygotes.

Submissions (2):

GeneDx
Classification: Uncertain significance. Last evaluated: 2024-08-07. Review status: criteria provided, single submitter. Criteria: GeneDx Variant Classification Process June 2021. Collection method: clinical testing. Allele origin: germline. Affected: yes.
Comment: Not observed at significant frequency in large population cohorts (gnomAD); In silico analysis indicates that this variant does not alter splicing; Has not been previously published as pathogenic or benign to our knowledge

Labcorp Genetics (formerly Invitae), Labcorp
Classification: Likely benign for Mucolipidosis type IV. Last evaluated: 2021-09-20. Review status: criteria provided, single submitter. Criteria: Invitae Variant Classification Sherloc (09022015). Collection method: clinical testing. Allele origin: germline.

NM_020533.3(MCOLN1):c.678C>T (p.His226=)

Gene: MCOLN1 (mucolipin TRP cation channel 1; plus strand). Cytogenetic location: 19p13.2.
Variant type: single nucleotide variant.
Coding change: c.678C>T on transcript NM_020533.3 (MANE Select); coding-DNA position 678, C replaced by T.
Protein change: p.His226=; no amino-acid change (histidine 226 retained).
Molecular consequence: synonymous variant.
Genome position (GRCh38, 1-based): chr19:7,527,626, C>T. VCF-style: chr19-7527626-C-T. GRCh37 (hg19) VCF-style: chr19-7592512-C-T.
Other names: c.678C>T (NM_020533.2).
Identifiers: ClinVar variation 1109243 (VCV001109243.10), dbSNP rs2146023608, ClinGen allele CA505230529.
Genomic context (GRCh38, chr19:7,527,626, plus strand): 5'-CGACGATCTCACCCTCTTGGAAAGCAGCTCCAGTTACAAGAACCTCACGCTCAAATTCCA[C>T]AAGTACTGCCTGCTCACTCGAGGGGGGCCCAGGGTGGGGGAGGCAGCACACTAGGCACTC-3'
Protein context (NP_065394.1, residues 216-236): SSYKNLTLKF[His226=]KLVNVTIHFR